The following is an entry in ClinVar:

NM_001127649.3(PEX26):c.871C>T (p.Arg291Trp)

Gene: PEX26 (peroxisomal biogenesis factor 26; plus strand). Cytogenetic location: 22q11.21.
Variant type: single nucleotide variant.
Coding change: c.871C>T on transcript NM_001127649.3 (MANE Select); coding-DNA position 871, C replaced by T.
Protein change: p.Arg291Trp; replaces arginine 291 with tryptophan.
Molecular consequence: missense variant.
Genome position (GRCh38, 1-based): chr22:18,088,028, C>T. VCF-style: chr22-18088028-C-T. GRCh37 (hg19) VCF-style: chr22-18570794-C-T.
Other names: c.724C>T, p.Arg242Trp (NM_001199319.2); c.871C>T, p.Arg291Trp (NM_017929.6); short protein forms R291W, R242W.
Identifiers: ClinVar variation 1418129 (VCV001418129.4), dbSNP rs576481410, ClinGen allele CA10093439.

ClinVar aggregate classification (germline): Uncertain significance (1 of 4 stars; one submission).

Conditions:
Peroxisome biogenesis disorder 7A (Zellweger). Also called: Peroxisome biogenesis disorder 7A. Identifiers: Orphanet 912, MedGen C3888385, MONDO:0013938, OMIM 614872.
Peroxisome biogenesis disorder 7B (PBD7B). Identifiers: Orphanet 44, MedGen C3553951, MONDO:0013939, OMIM 614873.

Allele frequency attached by ClinVar (database versions not stated): ExAC 0.00002; gnomAD 0.00002 and 0.00003; gnomAD exomes 0.00002; TOPMed 0.00003; 1000 Genomes Project 30x 0.00016; 1000 Genomes Project 0.00020.

Submission:

Labcorp Genetics (formerly Invitae), Labcorp
Classification: Uncertain significance for Peroxisome biogenesis disorder 7A (Zellweger); Peroxisome biogenesis disorder 7B. Last evaluated: 2024-01-24. Review status: criteria provided, single submitter. Criteria: Invitae Variant Classification Sherloc (09022015). Collection method: clinical testing. Allele origin: germline.
Comment: This sequence change replaces arginine, which is basic and polar, with tryptophan, which is neutral and slightly polar, at codon 291 of the PEX26 protein (p.Arg291Trp). This variant is present in population databases (rs576481410, gnomAD 0.01%). This variant has not been reported in the literature in individuals affected with PEX26-related conditions. ClinVar contains an entry for this variant (Variation ID: 1418129). Advanced modeling of protein sequence and biophysical properties (such as structural, functional, and spatial information, amino acid conservation, physicochemical variation, residue mobility, and thermodynamic stability) performed at Invitae indicates that this missense variant is not expected to disrupt PEX26 protein function with a negative predictive value of 80%. In summary, the available evidence is currently insufficient to determine the role of this variant in disease. Therefore, it has been classified as a Variant of Uncertain Significance.